The following is an entry in ClinVar:

NM_001348716.2(KDM6B):c.1938A>C (p.Pro646=)

Gene: KDM6B (lysine demethylase 6B; plus strand). Cytogenetic location: 17p13.1.
Variant type: single nucleotide variant.
Coding change: c.1938A>C on transcript NM_001348716.2 (MANE Select); coding-DNA position 1938, A replaced by C.
Protein change: p.Pro646=; no amino-acid change (proline 646 retained).
Molecular consequence: synonymous variant.
Genome position (GRCh38, 1-based): chr17:7,848,226, A>C. VCF-style: chr17-7848226-A-C. GRCh37 (hg19) VCF-style: chr17-7751544-A-C.
Other names: c.1938A>C, p.Pro646= (NM_001080424.2).
Identifiers: ClinVar variation 2647403 (VCV002647403.24), dbSNP rs1481951407, ClinGen allele CA497947298.

ClinVar aggregate classification (germline): Likely benign (1 of 4 stars; one submission).

Submission:

CeGaT Center for Human Genetics Tuebingen
Classification: Likely benign. Last evaluated: 2022-09-01. Review status: criteria provided, single submitter. Criteria: CeGaT Center For Human Genetics Tuebingen Variant Classification Criteria Version 2. Collection method: clinical testing. Allele origin: germline. Affected: yes. Observed: 1 variant allele.
Comment: KDM6B: BP4, BP7, BS2